The following is an entry in ClinVar:

NM_001039141.3(TRIOBP):c.5922G>T (p.Glu1974Asp)

Gene: TRIOBP (TRIO and F-actin binding protein; plus strand). Cytogenetic location: 22q13.1.
Variant type: single nucleotide variant.
Coding change: c.5922G>T on transcript NM_001039141.3 (MANE Select); coding-DNA position 5922, G replaced by T.
Protein change: p.Glu1974Asp; replaces glutamic acid 1974 with aspartic acid.
Molecular consequence: missense variant.
Genome position (GRCh38, 1-based): chr22:37,757,847, G>T. VCF-style: chr22-37757847-G-T. GRCh37 (hg19) VCF-style: chr22-38153854-G-T.
Other names: c.5922G>T (NM_001039141.2); c.783G>T, p.Glu261Asp (NM_007032.5, NM_138632.2); short protein forms E1974D, E261D.
Identifiers: ClinVar variation 1420597 (VCV001420597.13), dbSNP rs374754282, ClinGen allele CA10224848.
Genomic context (GRCh38, chr22:37,757,847, plus strand): 5'-TTCCCCGCAGCGGGCCCGCACCCCAGCCCGCACTCCTGACCGCCTGGCCAAGCAGGAGGA[G>T]CTGGAGCGGGACCTGGCCCAGCGCTCCGAGGAGCGGCGCAAGTGGTTTGAGGCCACAGAC-3'
Protein context (NP_001034230.1, residues 1964-1984): RTPDRLAKQE[Glu1974Asp]LERDLAQRSE

ClinVar aggregate classification (germline): Conflicting classifications of pathogenicity. Review status: criteria provided, conflicting classifications (1 of 4 stars). 4 submissions from 4 submitters: Uncertain significance (3); Likely benign (1). Last evaluated 2026-10-01.

Conditions:
Inborn genetic diseases. Identifiers: MedGen C0950123, MeSH D030342.

Allele frequency attached by ClinVar (database versions not stated): ESP Exome Variant Server 0.00024; gnomAD exomes 0.00013 and 0.00016; ExAC 0.00020; TOPMed 0.00011; gnomAD 0.00009 and 0.00010.
gnomAD v4.1: 231 of 1,551,328 alleles (0.015%); highest among the groups gnomAD compares: Non-Finnish European, 0.019%; 1 homozygote.

Submissions (4):

GeneDx
Classification: Uncertain significance. Last evaluated: 2026-10-01. Review status: criteria provided, single submitter. Criteria: GeneDx Variant Classification Process June 2021. Collection method: clinical testing. Allele origin: germline.
Comment: In silico analysis suggests that this missense variant does not alter protein structure/function; Has not been previously published as pathogenic or benign to our knowledge

Labcorp Genetics (formerly Invitae), Labcorp
Classification: Uncertain significance. Last evaluated: 2024-11-05. Review status: criteria provided, single submitter. Criteria: Invitae Variant Classification Sherloc (09022015). Collection method: clinical testing. Allele origin: germline.
Comment: This sequence change replaces glutamic acid, which is acidic and polar, with aspartic acid, which is acidic and polar, at codon 1974 of the TRIOBP protein (p.Glu1974Asp). This variant is present in population databases (rs374754282, gnomAD 0.03%). This variant has not been reported in the literature in individuals affected with TRIOBP-related conditions. ClinVar contains an entry for this variant (Variation ID: 1420597). An algorithm developed to predict the effect of missense changes on protein structure and function outputs the following: PolyPhen-2: "Benign". The aspartic acid amino acid residue is found in multiple mammalian species, which suggests that this missense change does not adversely affect protein function. In summary, the available evidence is currently insufficient to determine the role of this variant in disease. Therefore, it has been classified as a Variant of Uncertain Significance.

Ambry Genetics
Classification: Uncertain significance for Inborn genetic diseases. Last evaluated: 2024-10-28. Review status: criteria provided, single submitter. Criteria: Ambry Variant Classification Scheme 2023. Collection method: clinical testing. Allele origin: germline.

Blueprint Genetics
Classification: Likely benign. Last evaluated: 2024-10-18. Review status: criteria provided, single submitter. Criteria: ACMG Guidelines, 2015. Collection method: clinical testing. Allele origin: germline.